The following is an entry in ClinVar:

ClinVar aggregate classification (germline): Uncertain significance (1 of 4 stars; one submission).

Conditions:
Hereditary cancer-predisposing syndrome. Also called: Neoplastic Syndromes, Hereditary; Tumor predisposition; Hereditary Cancer Syndrome; Hereditary neoplastic syndrome. Identifiers: Orphanet 140162, MedGen C0027672, MeSH D009386, MONDO:0015356.

Submission:

Ambry Genetics
Classification: Uncertain significance for Hereditary cancer-predisposing syndrome. Last evaluated: 2026-05-06. Review status: criteria provided, single submitter. Criteria: Ambry Variant Classification Scheme 2023. Collection method: clinical testing. Allele origin: germline.
Comment: The p.C613Y variant (also known as c.1838G>A), located in coding exon 13 of the PTCH1 gene, results from a G to A substitution at nucleotide position 1838. The cysteine at codon 613 is replaced by tyrosine, an amino acid with highly dissimilar properties. This amino acid position is conserved. In addition, this alteration is predicted to be deleterious by in silico analysis. Based on the available evidence, the clinical significance of this variant remains unclear.

NM_000264.5(PTCH1):c.1838G>A (p.Cys613Tyr)

Genes: PTCH1 (patched 1; minus strand), LOC100507346 (uncharacterized LOC100507346; plus strand). Cytogenetic location: 9q22.32.
Variant type: single nucleotide variant.
Coding change: c.1838G>A on transcript NM_000264.5 (MANE Select); coding-DNA position 1838, G replaced by A.
Protein change: p.Cys613Tyr; replaces cysteine 613 with tyrosine.
Molecular consequence: missense variant. On other transcripts: non-coding transcript variant (2).
Genome position (GRCh38, 1-based): chr9:95,469,822, C>T on the plus strand (G>A on the coding strand, the complement: PTCH1 is on the minus strand). VCF-style: chr9-95469822-C-T. GRCh37 (hg19) VCF-style: chr9-98232104-C-T.
Other names: c.1640G>A, p.Cys547Tyr (NM_001083602.3); c.1835G>A, p.Cys612Tyr (NM_001083603.3); c.1385G>A, p.Cys462Tyr (NM_001083604.3, NM_001083605.3, NM_001083606.3 and 1 more transcripts); c.1682G>A, p.Cys561Tyr (NM_001354918.2); short protein forms C613Y, C462Y, C561Y, C612Y, C547Y.
Identifiers: ClinVar variation 1781080 (VCV001781080.3), dbSNP rs2118088979, ClinGen allele CA374116233.